The following is an entry in ClinVar:

ClinVar aggregate classification (germline): Uncertain significance (1 of 4 stars; one submission).

Conditions:
Dyskeratosis congenita. Identifiers: Orphanet 1775, MedGen C0265965, MONDO:0015780.

Submission:

Ambry Genetics
Classification: Uncertain significance for Dyskeratosis congenita. Last evaluated: 2024-10-28. Review status: criteria provided, single submitter. Criteria: Ambry Variant Classification Scheme 2023. Collection method: clinical testing. Allele origin: germline.
Comment: The p.V461A variant (also known as c.1382T>C), located in coding exon 2 of the TERT gene, results from a T to C substitution at nucleotide position 1382. The valine at codon 461 is replaced by alanine, an amino acid with similar properties. This amino acid position is conserved. In addition, this alteration is predicted to be deleterious by in silico analysis. Based on the available evidence, the clinical significance of this variant remains unclear.

NM_198253.3(TERT):c.1382T>C (p.Val461Ala)

Gene: TERT (telomerase reverse transcriptase; minus strand). Cytogenetic location: 5p15.33.
Variant type: single nucleotide variant.
Coding change: c.1382T>C on transcript NM_198253.3 (MANE Select); coding-DNA position 1382, T replaced by C.
Protein change: p.Val461Ala; replaces valine 461 with alanine.
Molecular consequence: missense variant. On other transcripts: non-coding transcript variant (2).
Genome position (GRCh38, 1-based): chr5:1,293,504, A>G on the plus strand (T>C on the coding strand, the complement: TERT is on the minus strand). VCF-style: chr5-1293504-A-G. GRCh37 (hg19) VCF-style: chr5-1293619-A-G.
Other names: c.1382T>C, p.Val461Ala (NM_001193376.3); short protein forms V461A.
Identifiers: ClinVar variation 3455209 (VCV003455209.1).
Genomic context (GRCh38, chr5:1,293,504, plus strand): 5'-CTGGAGCCCCAGAGGCCTGGGGGCACCAGCCGGCGCAGGCAGGCCCGCACGAAGCCGTAC[A>G]CCTGCCAGGGGCTGCTGTGCTGGCGGAGCAGCTGCACCAGGCGACGGGGGTCTGTGTCCT-3'
Protein context (NP_937983.2, residues 451-471): LLRQHSSPWQ[Val461Ala]YGFVRACLRR